The following is an entry in ClinVar:

ClinVar aggregate classification (germline): Uncertain significance. Review status: criteria provided, multiple submitters, no conflicts (2 of 4 stars). 2 submissions from 2 submitters: Uncertain significance (2). Last evaluated 2026-09-01.

Conditions:
Hypophosphatasia. Also called: Phosphoethanol-aminuria. Identifiers: Orphanet 436, MedGen C0020630, MeSH D007014, MONDO:0018570.

Submissions (2):

Genomenon, Inc
Classification: Uncertain significance for Hypophosphatasia. Last evaluated: 2026-09-01. Review status: criteria provided, single submitter. Criteria: Genomenon Sequence Variant Interpretation Standards - Updated. Collection method: curation. Allele origin: germline. Affected: yes.
Comment: ALPL p.Met355Ile (c.1065G>A) is a missense variant that changes the amino acid at codon 355 from Methionine to Isoleucine. This variant has been observed in at least one proband affected with an ALPL-related disorder (PMID:32160374). Functional studies have been reported (PMID:35320273). It is absent or not present at a significant frequency in gnomAD. In silico models predict that this variant is possibly or probably damaging. In conclusion, we classify ALPL p.Met355Ile (c.1065G>A) as a variant of uncertain significance.

Labcorp Genetics (formerly Invitae), Labcorp
Classification: Uncertain significance. Last evaluated: 2023-11-15. Review status: criteria provided, single submitter. Criteria: Invitae Variant Classification Sherloc (09022015). Collection method: clinical testing. Allele origin: germline.
Comment: This sequence change replaces methionine, which is neutral and non-polar, with isoleucine, which is neutral and non-polar, at codon 355 of the ALPL protein (p.Met355Ile). This variant is not present in population databases (gnomAD no frequency). This variant has not been reported in the literature in individuals affected with ALPL-related conditions. Advanced modeling of protein sequence and biophysical properties (such as structural, functional, and spatial information, amino acid conservation, physicochemical variation, residue mobility, and thermodynamic stability) performed at Invitae indicates that this missense variant is expected to disrupt ALPL protein function with a positive predictive value of 95%. In summary, the available evidence is currently insufficient to determine the role of this variant in disease. Therefore, it has been classified as a Variant of Uncertain Significance.

Literature cited by the submitters: PubMed 32160374 (cited by Genomenon, Inc); PubMed 35320273 (cited by Genomenon, Inc).

NM_000478.6(ALPL):c.1065G>A (p.Met355Ile)

Gene: ALPL (alkaline phosphatase, biomineralization associated; plus strand). Cytogenetic location: 1p36.12.
Variant type: single nucleotide variant.
Coding change: c.1065G>A on transcript NM_000478.6 (MANE Select); coding-DNA position 1065, G replaced by A.
Protein change: p.Met355Ile; replaces methionine 355 with isoleucine.
Molecular consequence: missense variant.
Genome position (GRCh38, 1-based): chr1:21,575,800, G>A. VCF-style: chr1-21575800-G-A. GRCh37 (hg19) VCF-style: chr1-21902293-G-A.
Other names: c.900G>A, p.Met300Ile (NM_001127501.4); c.834G>A, p.Met278Ile (NM_001177520.3); c.1065G>A, p.Met355Ile (NM_001369803.2, NM_001369804.2, NM_001369805.2); short protein forms M355I, M300I, M278I.
Identifiers: ClinVar variation 2733848 (VCV002733848.5), dbSNP rs2545342209, ClinGen allele CA338881159.